The following is an entry in ClinVar:

ClinVar aggregate classification (germline): Uncertain significance (1 of 4 stars; one submission).

Conditions:
AFF4-related disorder. Also called: AFF4-related condition.

gnomAD v4.1: 6 of 1,613,950 alleles (0.00037%); highest among the groups gnomAD compares: African/African-American, 0.0067%; no homozygotes.

Submission:

PreventionGenetics, part of Exact Sciences
Classification: Uncertain significance for AFF4-related condition. Last evaluated: 2025-05-22. Review status: criteria provided, single submitter. Criteria: ACMG Guidelines, 2015. Collection method: clinical testing. Allele origin: germline.
Comment: The AFF4 c.489C>A variant is predicted to result in the amino acid substitution p.Ser163Arg. To our knowledge, this variant has not been reported in the literature. This variant is reported in 0.020% of alleles in individuals of African descent in gnomAD. Although we suspect that this variant may be benign, at this time, the clinical significance of this variant is uncertain due to the absence of conclusive functional and genetic evidence.

NM_014423.4(AFF4):c.489C>A (p.Ser163Arg)

Gene: AFF4 (ALF transcription elongation factor 4; minus strand). Cytogenetic location: 5q31.1.
Variant type: single nucleotide variant.
Coding change: c.489C>A on transcript NM_014423.4 (MANE Select); coding-DNA position 489, C replaced by A.
Protein change: p.Ser163Arg; replaces serine 163 with arginine.
Molecular consequence: missense variant.
Genome position (GRCh38, 1-based): chr5:132,934,576, G>T on the plus strand (C>A on the coding strand, the complement: AFF4 is on the minus strand). VCF-style: chr5-132934576-G-T. GRCh37 (hg19) VCF-style: chr5-132270268-G-T.
Other names: short protein forms S163R.
Identifiers: ClinVar variation 4986839 (VCV004986839.1).
Genomic context (GRCh38, chr5:132,934,576, plus strand): 5'-TTTTCCAGGGCTGGAAGAACGTGATTTGGAGTGTTCTGATCCATGCTGGCCTTTTTTCCG[G>T]CTACTGCTCCCACTATTGTTATATGACTCACGGTCGTGCCTCTGACCACTACTGTTAGTG-3'
Protein context (NP_055238.1, residues 153-173): RESYNNSGSS[Ser163Arg]RKKGQHGSEH